The following is an entry in ClinVar:

ClinVar aggregate classification (germline): Uncertain significance. Review status: criteria provided, multiple submitters, no conflicts (2 of 4 stars). 2 submissions from 2 submitters: Uncertain significance (2). Last evaluated 2025-09-10.

Conditions:
Autosomal dominant centronuclear myopathy. Also called: MYOTUBULAR MYOPATHY, AUTOSOMAL DOMINANT; Myopathy, centronuclear, 3. Identifiers: Orphanet 169189, MedGen C4551952, MeSH D020914, MONDO:0008048, OMIM 160150.

Allele frequency attached by ClinVar (database versions not stated): TOPMed 0.00002; ExAC 0.00006; gnomAD exomes 0.00007.
gnomAD v4.1: 33 of 1,614,086 alleles (0.002%); highest among the groups gnomAD compares: East Asian, 0.027%; no homozygotes.

Submissions (2):

Ambry Genetics
Classification: Uncertain significance. Last evaluated: 2025-09-10. Review status: criteria provided, single submitter. Criteria: Ambry Variant Classification Scheme 2023. Collection method: clinical testing. Allele origin: germline.

Labcorp Genetics (formerly Invitae), Labcorp
Classification: Uncertain significance for Autosomal dominant centronuclear myopathy. Last evaluated: 2020-07-30. Review status: criteria provided, single submitter. Criteria: Invitae Variant Classification Sherloc (09022015). Collection method: clinical testing. Allele origin: germline.
Comment: This sequence change replaces serine with leucine at codon 228 of the MYF6 protein (p.Ser228Leu). The serine residue is highly conserved and there is a large physicochemical difference between serine and leucine. This variant is present in population databases (rs201098963, ExAC 0.06%). This variant has not been reported in the literature in individuals with MYF6-related conditions. Algorithms developed to predict the effect of missense changes on protein structure and function are either unavailable or do not agree on the potential impact of this missense change (SIFT: "Deleterious"; PolyPhen-2: "Probably Damaging"; Align-GVGD: "Class C15"). In summary, the available evidence is currently insufficient to determine the role of this variant in disease. Therefore, it has been classified as a Variant of Uncertain Significance.

NM_002469.3(MYF6):c.683C>T (p.Ser228Leu)

Gene: MYF6 (myogenic factor 6; plus strand). Cytogenetic location: 12q21.31.
Variant type: single nucleotide variant.
Coding change: c.683C>T on transcript NM_002469.3 (MANE Select); coding-DNA position 683, C replaced by T.
Protein change: p.Ser228Leu; replaces serine 228 with leucine.
Molecular consequence: missense variant.
Genome position (GRCh38, 1-based): chr12:80,708,914, C>T. VCF-style: chr12-80708914-C-T. GRCh37 (hg19) VCF-style: chr12-81102693-C-T.
Other names: c.683C>T (NM_002469.2); short protein forms S228L.
Identifiers: ClinVar variation 1043663 (VCV001043663.11), dbSNP rs201098963, ClinGen allele CA6703173.